The following is an entry in ClinVar:

ClinVar aggregate classification (germline): Pathogenic. Review status: criteria provided, single submitter (1 of 4 stars). 2 submissions from 1 submitter: Pathogenic (1). 1 of the submissions does not count toward it. Last evaluated 2022-10-21.

Conditions:
Sotos syndrome (SOTOS). Also called: CHROMOSOME 5q35 DELETION SYNDROME; SOTOS SYNDROME 1; CEREBRAL GIGANTISM; Sotos' syndrome; Distinctive facial appearance, overgrowth in childhood, and learning disabilities or delayed development. Identifiers: Orphanet 821, MedGen C0175695, MONDO:0019349, OMIM 117550.

Submissions (2):

Labcorp Genetics (formerly Invitae), Labcorp
Classification: Pathogenic. Last evaluated: 2022-10-21. Review status: criteria provided, single submitter. Criteria: Invitae Variant Classification Sherloc (09022015). Collection method: clinical testing. Allele origin: germline.
Comment: A gross deletion of the genomic region encompassing the full coding sequence of the NSD1 gene has been identified. Loss-of-function variants in NSD1 are known to be pathogenic (PMID: 12464997, 14571271, 15942875, 16247291). The boundaries of this event are unknown as they extend beyond the assayed region for this gene and therefore may encompass additional genes. A similar copy number variant has been observed in individuals with Sotos syndrome (PMID: 18505455, 21597970, 25608832). For these reasons, this variant has been classified as Pathogenic.

Labcorp Genetics (formerly Invitae), Labcorp
Classification: Pathogenic. Last evaluated: 2022-10-21. Review status: flagged submission. Criteria: Invitae Variant Classification Sherloc (09022015). Collection method: clinical testing. Allele origin: germline. Not counted in ClinVar's aggregate classification.
Comment: A gross deletion of the genomic region encompassing the full coding sequence of the SLC34A1 gene has been identified. Loss-of-function variants in SLC34A1 are known to be pathogenic (PMID: 26047794). The boundaries of this event are unknown as they extend beyond the assayed region for this gene and therefore may encompass additional genes. This variant has not been reported in the literature in individuals affected with SLC34A1-related conditions. For these reasons, this variant has been classified as Pathogenic.
ClinVar note: Reason: This record appears to be redundant with a more recent record from the same submitter.
ClinVar note: Notes: SCV003791281 appears to be redundant with SCV003791916.

Literature cited by the submitters: PubMed 12464997; PubMed 14571271; PubMed 15942875; PubMed 16247291; PubMed 18505455; PubMed 21597970; PubMed 25608832; PubMed 26047794.

NC_000005.9:g.(?_176289625)_(177151363_?)del

Genes: RGS14 (regulator of G protein signaling 14; plus strand), HK3 (hexokinase 3; minus strand), LMAN2 (lectin, mannose binding 2; minus strand), MXD3 (MAX dimerization protein 3; minus strand), GRK6 (G protein-coupled receptor kinase 6; plus strand) and 19 more. Cytogenetic location: 5q35.2-35.3.
Variant type: Deletion.
Identifiers: ClinVar variation 2424617 (VCV002424617.27).